The following is an entry in ClinVar:

ClinVar aggregate classification (germline): Conflicting classifications of pathogenicity. Review status: criteria provided, conflicting classifications (1 of 4 stars). 2 submissions from 2 submitters: Likely pathogenic (1); Uncertain significance (1). Last evaluated 2024-10-09.

Conditions:
Coffin-Siris syndrome 7. Identifiers: MedGen C4747954, MONDO:0054831, OMIM 618027.

Submissions (2):

Victorian Clinical Genetics Services, Murdoch Childrens Research Institute
Classification: Likely pathogenic for Coffin-Siris syndrome 7. Last evaluated: 2024-10-09. Review status: criteria provided, single submitter. Criteria: ACMG Guidelines, 2015. Collection method: clinical testing. Allele origin: germline. Inheritance: Autosomal dominant inheritance. Affected: yes.
Comment: Based on the classification scheme VCGS_Germline_v1.3.4, this variant is classified as Likely pathogenic. Following criteria are met: 0104 - Dominant negative is the likely mechanism of disease in this gene (PMID: 29429572) and is associated with Coffin-Siris syndrome 7 (MIM#618027). (I) 0107 - This gene is associated with autosomal dominant disease. (I) 0115 - Variants in this gene are known to have variable expressivity (OMIM). (I) 0200 - Variant is predicted to result in a missense amino acid change from cysteine to tyrosine. (I) 0251 - This variant is heterozygous. (I) 0301 - Variant is absent from gnomAD (both v2 and v3). (SP) 0501 - Missense variant consistently predicted to be damaging by multiple in silico tools and highly conserved with a major amino acid change. (SP) 0601 - Variant is located in the well-established functional PHD2 zinc finger domain and affects a cysteine residue (PMID: 29429672, 31207137). (SP) 0710 - Another missense variant comparable to the one identified in this case has inconclusive previous evidence for pathogenicity. p.(Cys295Ser) has been reported as a variant of uncertain significance once by a clinical laboratory (ClinVar). (I) 0807 - This variant has no previous evidence of pathogenicity. (I) 0905 - No published segregation evidence has been identified for this variant. (I) 1007 - No published functional evidence has been identified for this variant. (SP) Legend: (SP) - Supporting pathogenic, (I) - Information, (SB) - Supporting benign

GeneDx
Classification: Uncertain significance. Last evaluated: 2024-07-29. Review status: criteria provided, single submitter. Criteria: GeneDx Variant Classification Process June 2021. Collection method: clinical testing. Allele origin: germline. Affected: yes.
Comment: Not observed at significant frequency in large population cohorts (gnomAD); In silico analysis supports that this missense variant has a deleterious effect on protein structure/function; Has not been previously published as pathogenic or benign to our knowledge

Literature cited by the submitters: PubMed 29429572 (cited by Victorian Clinical Genetics Services, Murdoch Childrens Research Institute); PubMed 31207137 (cited by Victorian Clinical Genetics Services, Murdoch Childrens Research Institute); PubMed 29429672 (cited by Victorian Clinical Genetics Services, Murdoch Childrens Research Institute).

NM_006268.5(DPF2):c.884G>A (p.Cys295Tyr)

Gene: DPF2 (double PHD fingers 2; plus strand). Cytogenetic location: 11q13.1.
Variant type: single nucleotide variant.
Coding change: c.884G>A on transcript NM_006268.5 (MANE Select); coding-DNA position 884, G replaced by A.
Protein change: p.Cys295Tyr; replaces cysteine 295 with tyrosine.
Molecular consequence: missense variant.
Genome position (GRCh38, 1-based): chr11:65,346,038, G>A. VCF-style: chr11-65346038-G-A. GRCh37 (hg19) VCF-style: chr11-65113509-G-A.
Other names: c.926G>A, p.Cys309Tyr (NM_001330308.2); c.884G>A (NM_006268.4); short protein forms C295Y, C309Y.
Identifiers: ClinVar variation 3377195 (VCV003377195.2).
Genomic context (GRCh38, chr11:65,346,038, plus strand): 5'-TCTGCCTGGGGGACTCAAAGATTAACAAGAAGACGGGACAACCCGAGGAGCTGGTGTCCT[G>A]TTCTGACTGTGGCCGCTCAGGTACTGCTTCCCGTGAAGGCTGCTGCTTTGCCCAGTCCCC-3'
Protein context (NP_006259.1, residues 285-305): KTGQPEELVS[Cys295Tyr]SDCGRSGHPS